The following is an entry in ClinVar:

NM_000038.6(APC):c.4515C>T (p.Ser1505=)

Gene: APC (APC regulator of Wnt signaling pathway; plus strand). Cytogenetic location: 5q22.2.
Variant type: single nucleotide variant.
Coding change: c.4515C>T on transcript NM_000038.6 (MANE Select); coding-DNA position 4515, C replaced by T.
Protein change: p.Ser1505=; no amino-acid change (serine 1505 retained).
Molecular consequence: synonymous variant.
Genome position (GRCh38, 1-based): chr5:112,840,109, C>T. VCF-style: chr5-112840109-C-T. GRCh37 (hg19) VCF-style: chr5-112175806-C-T.
Other names: c.4515C>T, p.Ser1505= (NM_001127510.3, NM_001354895.2); c.4461C>T, p.Ser1487= (NM_001127511.3); c.4569C>T, p.Ser1523= (NM_001354896.2); c.4545C>T, p.Ser1515= (NM_001354897.2); c.4440C>T, p.Ser1480= (NM_001354898.2); c.4431C>T, p.Ser1477= (NM_001354899.2); c.4392C>T, p.Ser1464= (NM_001354900.2); c.4338C>T, p.Ser1446= (NM_001354901.2); and 5 more.
Identifiers: ClinVar variation 824963 (VCV000824963.15), dbSNP rs1217842024, ClinGen allele CA446206559.

ClinVar aggregate classification (germline): Conflicting classifications of pathogenicity. Review status: criteria provided, conflicting classifications (1 of 4 stars). 4 submissions from 4 submitters: Uncertain significance (1); Benign (1); Likely benign (2). Last evaluated 2025-04-24.

Conditions:
Hereditary cancer-predisposing syndrome. Also called: Neoplastic Syndromes, Hereditary; Tumor predisposition; Hereditary neoplastic syndrome; Hereditary Cancer Syndrome. Identifiers: Orphanet 140162, MedGen C0027672, MeSH D009386, MONDO:0015356.
Familial adenomatous polyposis 1 (FAP1). Also called: POLYPOSIS, ADENOMATOUS INTESTINAL; FAMILIAL ADENOMATOUS POLYPOSIS 1, ATTENUATED. Identifiers: MedGen C2713442, MONDO:0021056, OMIM 175100. Disease mechanism: loss of function.

Allele frequency attached by ClinVar (database versions not stated): gnomAD exomes below 0.00001 and 0.00001.
gnomAD v4.1: 2 of 1,614,094 alleles (0.00012%); highest among the groups gnomAD compares: Admixed American, 0.0033%; no homozygotes.

Submissions (4):

Quest Diagnostics Nichols Institute San Juan Capistrano
Classification: Uncertain significance. Last evaluated: 2025-04-24. Review status: criteria provided, single submitter. Criteria: Quest Diagnostics criteria. Collection method: clinical testing. Allele origin: unknown.
Comment: The APC c.4515C>T (p.Ser1505=) synonymous variant has not been reported in individuals with APC-related conditions in the published literature. The frequency of this variant in the general population (Genome Aggregation Database) is uninformative in the assessment of its pathogenicity. Analysis of this variant using software algorithms for the prediction of the effect of nucleotide changes on splicing yielded predictions that this variant does not affect APC mRNA splicing. Based on the available information, we are unable to determine the clinical significance of this variant.

Myriad Genetics, Inc.
Classification: Benign for Familial adenomatous polyposis 1. Last evaluated: 2024-03-27. Review status: criteria provided, single submitter. Criteria: Myriad Autosomal Dominant, Autosomal Recessive and X-Linked Classification Criteria (2023). Collection method: clinical testing. Allele origin: unknown.
Comment: This variant is considered benign. This variant is a silent/synonymous amino acid change and it is not expected to impact splicing.

Labcorp Genetics (formerly Invitae), Labcorp
Classification: Likely benign for Familial adenomatous polyposis 1. Last evaluated: 2019-05-30. Review status: criteria provided, single submitter. Criteria: Invitae Variant Classification Sherloc (09022015). Collection method: clinical testing. Allele origin: germline.

Ambry Genetics
Classification: Likely benign for Hereditary cancer-predisposing syndrome. Last evaluated: 2018-11-16. Review status: criteria provided, single submitter. Criteria: Ambry Variant Classification Scheme 2023. Collection method: clinical testing. Allele origin: germline.